The following is an entry in ClinVar:

ClinVar aggregate classification (germline): Benign (1 of 4 stars; one submission).

Conditions:
Autosomal recessive congenital ichthyosis 6 (ARCI6). Identifiers: Orphanet 313, Orphanet 79394, MedGen C2677065, MONDO:0012847, OMIM 612281.

Allele frequency attached by ClinVar (database versions not stated): 1000 Genomes Project 0.04932; 1000 Genomes Project 30x 0.05028; gnomAD 0.07191 and 0.07540; TOPMed 0.07299.

Submission:

Illumina Laboratory Services, Illumina
Classification: Benign for Autosomal recessive congenital ichthyosis 6. Last evaluated: 2018-01-13. Review status: criteria provided, single submitter. Criteria: ICSL Variant Classification Criteria 13 December 2019. Collection method: clinical testing. Allele origin: germline.
Comment: This variant was observed in the ICSL laboratory as part of a predisposition screen in an ostensibly healthy population. It had not been previously curated by ICSL or reported in the Human Gene Mutation Database (HGMD: prior to June 1st, 2018), and was therefore a candidate for classification through an automated scoring system. Utilizing variant allele frequency, disease prevalence and penetrance estimates, and inheritance mode, an automated score was calculated to assess if this variant is too frequent to cause the disease. Based on the score and internal cut-off values, a variant classified as benign is not then subjected to further curation. The score for this variant resulted in a classification of benign for this disease.

NM_001099287.2(NIPAL4):c.*1647T>C

Gene: NIPAL4 (NIPA like domain containing 4; plus strand). Cytogenetic location: 5q33.3.
Variant type: single nucleotide variant.
Coding change: c.*1647T>C on transcript NM_001099287.2 (MANE Select); 1647 bases downstream of the stop codon, T replaced by C.
Molecular consequence: 3 prime UTR variant.
Genome position (GRCh38, 1-based): chr5:157,474,607, T>C. VCF-style: chr5-157474607-T-C. GRCh37 (hg19) VCF-style: chr5-156901615-T-C.
Other names: c.*1647T>C (NM_001172292.2).
Identifiers: ClinVar variation 352548 (VCV000352548.5), dbSNP rs11749762, ClinGen allele CA10623996.